The following is an entry in ClinVar:

ClinVar aggregate classification (germline): Likely benign (1 of 4 stars; one submission).

gnomAD v4.1: 42 of 1,613,980 alleles (0.0026%); highest among the groups gnomAD compares: Admixed American, 0.03%; no homozygotes.

Submission:

CeGaT Center for Human Genetics Tuebingen
Classification: Likely benign. Last evaluated: 2025-12-01. Review status: criteria provided, single submitter. Criteria: CeGaT Center For Human Genetics Tuebingen Variant Classification Criteria Version 2. Collection method: clinical testing. Allele origin: germline. Affected: yes. Observed: 1 variant allele.
Comment: SRRM2: BP4

NM_016333.4(SRRM2):c.7072G>A (p.Ala2358Thr)

Gene: SRRM2 (serine/arginine repetitive matrix 2; plus strand). Cytogenetic location: 16p13.3.
Variant type: single nucleotide variant.
Coding change: c.7072G>A on transcript NM_016333.4 (MANE Select); coding-DNA position 7072, G replaced by A.
Protein change: p.Ala2358Thr; replaces alanine 2358 with threonine.
Molecular consequence: missense variant.
Genome position (GRCh38, 1-based): chr16:2,767,600, G>A. VCF-style: chr16-2767600-G-A. GRCh37 (hg19) VCF-style: chr16-2817601-G-A.
Other names: short protein forms A2358T.
Identifiers: ClinVar variation 4681472 (VCV004681472.5).